The following is an entry in ClinVar:

ClinVar aggregate classification (germline): Uncertain significance. Review status: criteria provided, multiple submitters, no conflicts (2 of 4 stars). 3 submissions from 3 submitters: Uncertain significance (3). Last evaluated 2025-06-18.

Conditions:
Donnai-Barrow syndrome. Also called: DBS/FOAR SYNDROME; FACIOOCULOACOUSTICORENAL SYNDROME. Identifiers: Orphanet 2143, MedGen C1857277, MONDO:0009104, OMIM 222448.
Inborn genetic diseases. Identifiers: MedGen C0950123, MeSH D030342.

Allele frequency attached by ClinVar (database versions not stated): gnomAD exomes 0.00001; ExAC 0.00002; TOPMed 0.00002; gnomAD 0.00003.
gnomAD v4.1: 19 of 1,613,966 alleles (0.0012%); highest among the groups gnomAD compares: Admixed American, 0.0017%; no homozygotes.

Submissions (3):

Ambry Genetics
Classification: Uncertain significance for Inborn genetic diseases. Last evaluated: 2025-06-18. Review status: criteria provided, single submitter. Criteria: Ambry Variant Classification Scheme 2023. Collection method: clinical testing. Allele origin: germline.

Fulgent Genetics
Classification: Uncertain significance for Donnai-Barrow syndrome. Last evaluated: 2024-03-25. Review status: criteria provided, single submitter. Criteria: ACMG Guidelines, 2015. Collection method: clinical testing. Allele origin: germline.

Labcorp Genetics (formerly Invitae), Labcorp
Classification: Uncertain significance. Last evaluated: 2021-08-26. Review status: criteria provided, single submitter. Criteria: Invitae Variant Classification Sherloc (09022015). Collection method: clinical testing. Allele origin: germline.
Comment: This sequence change replaces alanine with threonine at codon 3826 of the LRP2 protein (p.Ala3826Thr). The alanine residue is moderately conserved and there is a small physicochemical difference between alanine and threonine. This variant is present in population databases (rs756520127, ExAC 0.003%). This variant has not been reported in the literature in individuals affected with LRP2-related conditions. Advanced modeling of protein sequence and biophysical properties (such as structural, functional, and spatial information, amino acid conservation, physicochemical variation, residue mobility, and thermodynamic stability) performed at Invitae indicates that this missense variant is not expected to disrupt LRP2 protein function. In summary, the available evidence is currently insufficient to determine the role of this variant in disease. Therefore, it has been classified as a Variant of Uncertain Significance.

NM_004525.3(LRP2):c.11476G>A (p.Ala3826Thr)

Gene: LRP2 (LDL receptor related protein 2; minus strand). Cytogenetic location: 2q31.1.
Variant type: single nucleotide variant.
Coding change: c.11476G>A on transcript NM_004525.3 (MANE Select); coding-DNA position 11476, G replaced by A.
Protein change: p.Ala3826Thr; replaces alanine 3826 with threonine.
Molecular consequence: missense variant.
Genome position (GRCh38, 1-based): chr2:169,169,723, C>T on the plus strand (G>A on the coding strand, the complement: LRP2 is on the minus strand). VCF-style: chr2-169169723-C-T. GRCh37 (hg19) VCF-style: chr2-170026233-C-T.
Other names: c.11476G>A (NM_004525.2); short protein forms A3826T.
Identifiers: ClinVar variation 1474863 (VCV001474863.7), dbSNP rs756520127, ClinGen allele CA1953068.